The following is an entry in ClinVar:

NM_001256789.3(CACNA1F):c.850G>A (p.Ala284Thr)

Gene: CACNA1F (calcium voltage-gated channel subunit alpha1 F; minus strand). Cytogenetic location: Xp11.23.
Variant type: single nucleotide variant.
Coding change: c.850G>A on transcript NM_001256789.3 (MANE Select); coding-DNA position 850, G replaced by A.
Protein change: p.Ala284Thr; replaces alanine 284 with threonine.
Molecular consequence: missense variant.
Genome position (GRCh38, 1-based): chrX:49,228,415, C>T on the plus strand (G>A on the coding strand, the complement: CACNA1F is on the minus strand). VCF-style: chrX-49228415-C-T. GRCh37 (hg19) VCF-style: chrX-49084877-C-T.
Other names: c.655G>A, p.Ala219Thr (NM_001256790.3); c.850G>A, p.Ala284Thr (NM_005183.4); short protein forms A219T, A284T.
Identifiers: ClinVar variation 4763334 (VCV004763334.1).

ClinVar aggregate classification (germline): Uncertain significance (1 of 4 stars; one submission).

Submission:

Labcorp Genetics (formerly Invitae), Labcorp
Classification: Uncertain significance. Last evaluated: 2025-12-23. Review status: criteria provided, single submitter. Criteria: Invitae Variant Classification Sherloc (09022015). Collection method: clinical testing. Allele origin: germline.
Comment: This sequence change replaces alanine, which is neutral and non-polar, with threonine, which is neutral and polar, at codon 284 of the CACNA1F protein (p.Ala284Thr). This variant is not present in population databases (gnomAD no frequency). This variant has not been reported in the literature in individuals affected with CACNA1F-related conditions. Invitae Evidence Modeling of protein sequence and biophysical properties (such as structural, functional, and spatial information, amino acid conservation, physicochemical variation, residue mobility, and thermodynamic stability) indicates that this missense variant is not expected to disrupt CACNA1F protein function with a negative predictive value of 80%. In summary, the available evidence is currently insufficient to determine the role of this variant in disease. Therefore, it has been classified as a Variant of Uncertain Significance.